The following is an entry in ClinVar:

ClinVar aggregate classification (germline): Conflicting classifications of pathogenicity. Review status: criteria provided, conflicting classifications (1 of 4 stars). 6 submissions from 6 submitters: Uncertain significance (3); Likely benign (3). Last evaluated 2026-01-12.

Conditions:
Autosomal dominant optic atrophy classic form (OPA1). Also called: Optic Atrophy Type 1; KJER-TYPE OPTIC ATROPHY; OPTIC ATROPHY, JUVENILE. Identifiers: Orphanet 98673, MedGen C0338508, MONDO:0008134, OMIM 165500.

Allele frequency attached by ClinVar (database versions not stated): ExAC 0.00005; TOPMed 0.00006; gnomAD 0.00007 and 0.00009; 1000 Genomes Project 30x 0.00016; 1000 Genomes Project 0.00020.
gnomAD v4.1: 37 of 1,602,918 alleles (0.0023%); highest among the groups gnomAD compares: East Asian, 0.038%; no homozygotes.

Submissions (6):

Labcorp Genetics (formerly Invitae), Labcorp
Classification: Likely benign. Last evaluated: 2026-01-12. Review status: criteria provided, single submitter. Criteria: Invitae Variant Classification Sherloc (09022015). Collection method: clinical testing. Allele origin: germline.

Blueprint Genetics
Classification: Likely benign. Last evaluated: 2024-07-22. Review status: criteria provided, single submitter. Criteria: ACMG Guidelines, 2015. Collection method: clinical testing. Allele origin: germline.

GeneDx
Classification: Uncertain significance. Last evaluated: 2021-10-25. Review status: criteria provided, single submitter. Criteria: GeneDx Variant Classification Process June 2021. Collection method: clinical testing. Allele origin: germline. Affected: yes.
Comment: Identified in a patient with optic atrophy in published literature and described to be a polymorphism; it is not known if other variants in the OPA1 gene were identified in the same patient (Chen et al., 2013); In-silico analysis, which includes splice predictors and evolutionary conservation, is inconclusive as to whether the variant alters gene splicing. In the absence of RNA/functional studies, the actual effect of this sequence change is unknown.; This variant is associated with the following publications: (PMID: 23401657)

Athena Diagnostics
Classification: Likely benign. Last evaluated: 2019-10-24. Review status: criteria provided, single submitter. Criteria: Athena Diagnostics Criteria. Collection method: clinical testing. Allele origin: unknown.

Illumina Laboratory Services, Illumina
Classification: Uncertain significance for Autosomal dominant optic atrophy classic form. Last evaluated: 2018-01-12. Review status: criteria provided, single submitter. Criteria: ICSL Variant Classification Criteria 13 December 2019. Collection method: clinical testing. Allele origin: germline.

Eurofins Ntd Llc (ga)
Classification: Uncertain significance. Last evaluated: 2014-01-20. Review status: criteria provided, single submitter. Criteria: EGL Classification Definitions 2015. Collection method: clinical testing. Allele origin: germline. Observed: 1 variant allele, 1 heterozygote.

Literature cited by the submitters: PubMed 23401657 (cited by Athena Diagnostics).

NM_130837.3(OPA1):c.790-4T>A

Gene: OPA1 (OPA1 mitochondrial dynamin like GTPase; plus strand). Cytogenetic location: 3q29.
Variant type: single nucleotide variant.
Coding change: c.790-4T>A on transcript NM_130837.3 (MANE Select); 4 bases into the intron before coding-DNA position 790, T replaced by A.
Molecular consequence: intron variant.
Genome position (GRCh38, 1-based): chr3:193,631,608, T>A. VCF-style: chr3-193631608-T-A. GRCh37 (hg19) VCF-style: chr3-193349397-T-A.
Other names: c.253-4T>A (NM_001354664.2); c.256-4T>A (NM_001354663.2); c.679-4T>A (NM_130834.3); c.736-4T>A (NM_130836.3); c.625-4T>A (NM_015560.3); c.682-4T>A (NM_130835.3); c.571-4T>A (NM_130832.3); c.628-4T>A (NM_130833.3); and 1 more.
Identifiers: ClinVar variation 167400 (VCV000167400.20), dbSNP rs374509936, ClinGen allele CA234459.